The following is an entry in ClinVar:

NM_013266.4(CTNNA3):c.2126G>A (p.Cys709Tyr)

Gene: CTNNA3 (catenin alpha 3; minus strand). Cytogenetic location: 10q21.3.
Variant type: single nucleotide variant.
Coding change: c.2126G>A on transcript NM_013266.4 (MANE Select); coding-DNA position 2126, G replaced by A.
Protein change: p.Cys709Tyr; replaces cysteine 709 with tyrosine.
Molecular consequence: missense variant.
Genome position (GRCh38, 1-based): chr10:66,069,341, C>T on the plus strand (G>A on the coding strand, the complement: CTNNA3 is on the minus strand). VCF-style: chr10-66069341-C-T. GRCh37 (hg19) VCF-style: chr10-67829099-C-T.
Other names: c.2126G>A (NM_013266.2); c.2126G>A, p.Cys709Tyr (NM_001127384.3); short protein forms C709Y.
Identifiers: ClinVar variation 1393841 (VCV001393841.7), dbSNP rs1458100029, ClinGen allele CA377089529.

ClinVar aggregate classification (germline): Uncertain significance. Review status: criteria provided, multiple submitters, no conflicts (2 of 4 stars). 2 submissions from 2 submitters: Uncertain significance (2). Last evaluated 2024-02-22.

Conditions:
Arrhythmogenic right ventricular dysplasia 13. Also called: Arrhythmogenic right ventricular dysplasia, familial, 13; ARRHYTHMOGENIC RIGHT VENTRICULAR CARDIOMYOPATHY 13. Identifiers: MedGen C3810138, MONDO:0000908, OMIM 615616.

Allele frequency attached by ClinVar (database versions not stated): gnomAD 0.00001; gnomAD exomes 0.00001; TOPMed 0.00001.
gnomAD v4.1: 12 of 1,613,438 alleles (0.00074%); highest among the groups gnomAD compares: Non-Finnish European, 0.00093%; no homozygotes.

Submissions (2):

Ambry Genetics
Classification: Uncertain significance. Last evaluated: 2024-02-22. Review status: criteria provided, single submitter. Criteria: Ambry Variant Classification Scheme 2023. Collection method: clinical testing. Allele origin: germline.
Comment: The p.C709Y variant (also known as c.2126G>A), located in coding exon 14 of the CTNNA3 gene, results from a G to A substitution at nucleotide position 2126. The cysteine at codon 709 is replaced by tyrosine, an amino acid with highly dissimilar properties. This amino acid position is conserved. In addition, this alteration is predicted to be deleterious by in silico analysis. Based on the available evidence, the clinical significance of this alteration remains unclear.

Labcorp Genetics (formerly Invitae), Labcorp
Classification: Uncertain significance for Arrhythmogenic right ventricular dysplasia 13. Last evaluated: 2021-10-29. Review status: criteria provided, single submitter. Criteria: Invitae Variant Classification Sherloc (09022015). Collection method: clinical testing. Allele origin: germline.
Comment: This variant is present in population databases (no rsID available, gnomAD 0.007%). In summary, the available evidence is currently insufficient to determine the role of this variant in disease. Therefore, it has been classified as a Variant of Uncertain Significance. Algorithms developed to predict the effect of missense changes on protein structure and function are either unavailable or do not agree on the potential impact of this missense change (SIFT: "Deleterious"; PolyPhen-2: "Not Available"; Align-GVGD: "Class C0"). This variant has not been reported in the literature in individuals affected with CTNNA3-related conditions. This sequence change replaces cysteine, which is neutral and slightly polar, with tyrosine, which is neutral and polar, at codon 709 of the CTNNA3 protein (p.Cys709Tyr).